The following is an entry in ClinVar:

NM_197968.4(ZMYM2):c.17T>C (p.Val6Ala)

Gene: ZMYM2 (zinc finger MYM-type containing 2; plus strand). Cytogenetic location: 13q12.11.
Variant type: single nucleotide variant.
Coding change: c.17T>C on transcript NM_197968.4 (MANE Select); coding-DNA position 17, T replaced by C.
Protein change: p.Val6Ala; replaces valine 6 with alanine.
Molecular consequence: missense variant. On other transcripts: non-coding transcript variant (1).
Genome position (GRCh38, 1-based): chr13:19,993,089, T>C. VCF-style: chr13-19993089-T-C. GRCh37 (hg19) VCF-style: chr13-20567229-T-C.
Other names: c.17T>C, p.Val6Ala (NM_001190964.4, NM_001190965.4, NM_001353157.2 and 6 more transcripts); c.83T>C, p.Val28Ala (NM_001353161.3); short protein forms V28A, V6A.
Identifiers: ClinVar variation 3356678 (VCV003356678.1).

ClinVar aggregate classification (germline): Uncertain significance (0 of 4 stars; one submission).

Conditions:
ZMYM2-related disorder. Also called: ZMYM2-related condition.

gnomAD v4.1: 2 of 1,604,588 alleles (0.00012%); highest among the groups gnomAD compares: African/African-American, 0.0013%; no homozygotes.

Submission:

PreventionGenetics, part of Exact Sciences
Classification: Uncertain significance for ZMYM2-related condition. Last evaluated: 2024-08-15. Review status: no assertion criteria provided. Collection method: clinical testing. Allele origin: germline.
Comment: The ZMYM2 c.17T>C variant is predicted to result in the amino acid substitution p.Val6Ala. To our knowledge, this variant has not been reported in the literature or in a large population database, indicating this variant is rare. At this time, the clinical significance of this variant is uncertain due to the absence of conclusive functional and genetic evidence.